The following is an entry in ClinVar:

NM_001040167.2(LFNG):c.295G>A (p.Ala99Thr)

Gene: LFNG (LFNG O-fucosylpeptide 3-beta-N-acetylglucosaminyltransferase; plus strand). Cytogenetic location: 7p22.3.
Variant type: single nucleotide variant.
Coding change: c.295G>A on transcript NM_001040167.2 (MANE Select); coding-DNA position 295, G replaced by A.
Protein change: p.Ala99Thr; replaces alanine 99 with threonine.
Molecular consequence: missense variant. On other transcripts: intron variant (2).
Genome position (GRCh38, 1-based): chr7:2,520,156, G>A. VCF-style: chr7-2520156-G-A. GRCh37 (hg19) VCF-style: chr7-2559790-G-A.
Other names: c.295G>A, p.Ala99Thr (NM_001040168.2); c.220-4539G>A (NM_001166355.2); c.45+1558G>A (NM_002304.3); c.295G>A (NM_001040167.1); short protein forms A99T.
Identifiers: ClinVar variation 1037213 (VCV001037213.9), dbSNP rs903013824, ClinGen allele CA152640201.

ClinVar aggregate classification (germline): Uncertain significance. Review status: criteria provided, multiple submitters, no conflicts (2 of 4 stars). 3 submissions from 3 submitters: Uncertain significance (3). Last evaluated 2025-10-23.

Conditions:
Inborn genetic diseases. Identifiers: MedGen C0950123, MeSH D030342.
Spondylocostal dysostosis 3, autosomal recessive (SCDO3). Also called: LFNG-Related Spondylocostal Dysostosis, Autosomal Recessive. Identifiers: Orphanet 2311, MedGen C1853296, MONDO:0012349, OMIM 609813.

Allele frequency attached by ClinVar (database versions not stated): gnomAD exomes 0.00001; gnomAD 0.00009 and 0.00010; TOPMed 0.00011.
gnomAD v4.1: 25 of 1,465,274 alleles (0.0017%); highest among the groups gnomAD compares: African/African-American, 0.026%; no homozygotes.

Submissions (3):

Ambry Genetics
Classification: Uncertain significance for Inborn genetic diseases. Last evaluated: 2025-10-23. Review status: criteria provided, single submitter. Criteria: Ambry Variant Classification Scheme 2023. Collection method: clinical testing. Allele origin: germline.

Labcorp Genetics (formerly Invitae), Labcorp
Classification: Uncertain significance for Spondylocostal dysostosis 3, autosomal recessive. Last evaluated: 2025-02-17. Review status: criteria provided, single submitter. Criteria: Invitae Variant Classification Sherloc (09022015). Collection method: clinical testing. Allele origin: germline.
Comment: This sequence change replaces alanine, which is neutral and non-polar, with threonine, which is neutral and polar, at codon 99 of the LFNG protein (p.Ala99Thr). This variant is present in population databases (no rsID available, gnomAD 0.04%). This variant has not been reported in the literature in individuals affected with LFNG-related conditions. ClinVar contains an entry for this variant (Variation ID: 1037213). Invitae Evidence Modeling of protein sequence and biophysical properties (such as structural, functional, and spatial information, amino acid conservation, physicochemical variation, residue mobility, and thermodynamic stability) indicates that this missense variant is not expected to disrupt LFNG protein function with a negative predictive value of 80%. In summary, the available evidence is currently insufficient to determine the role of this variant in disease. Therefore, it has been classified as a Variant of Uncertain Significance.

GeneDx
Classification: Uncertain significance. Last evaluated: 2022-12-08. Review status: criteria provided, single submitter. Criteria: GeneDx Variant Classification Process June 2021. Collection method: clinical testing. Allele origin: germline. Affected: yes.
Comment: In silico analysis supports that this missense variant does not alter protein structure/function; Has not been previously published as pathogenic or benign to our knowledge